The following is an entry in ClinVar:

ClinVar aggregate classification (germline): Uncertain significance. Review status: criteria provided, multiple submitters, no conflicts (2 of 4 stars). 3 submissions from 3 submitters: Uncertain significance (3). Last evaluated 2023-07-19.

Conditions:
Developmental and epileptic encephalopathy, 23 (DEE23). Also called: Epileptic encephalopathy, early infantile, 23. Identifiers: Orphanet 411986, MedGen C4014492, MONDO:0014371, OMIM 615859.
Inborn genetic diseases. Identifiers: MedGen C0950123, MeSH D030342.

Allele frequency attached by ClinVar (database versions not stated): ExAC 0.00001; gnomAD exomes 0.00001 and 0.00002; TOPMed 0.00001.
gnomAD v4.1: 5 of 1,612,556 alleles (0.00031%); highest among the groups gnomAD compares: East Asian, 0.011%; no homozygotes.

Submissions (3):

Ambry Genetics
Classification: Uncertain significance for Inborn genetic diseases. Last evaluated: 2023-07-19. Review status: criteria provided, single submitter. Criteria: Ambry Variant Classification Scheme 2023. Collection method: clinical testing. Allele origin: germline.

Labcorp Genetics (formerly Invitae), Labcorp
Classification: Uncertain significance for Developmental and epileptic encephalopathy, 23. Last evaluated: 2023-07-07. Review status: criteria provided, single submitter. Criteria: Invitae Variant Classification Sherloc (09022015). Collection method: clinical testing. Allele origin: germline.
Comment: This sequence change replaces isoleucine, which is neutral and non-polar, with threonine, which is neutral and polar, at codon 1249 of the DOCK7 protein (p.Ile1249Thr). This variant is present in population databases (rs745532701, gnomAD 0.01%). This variant has not been reported in the literature in individuals affected with DOCK7-related conditions. ClinVar contains an entry for this variant (Variation ID: 1412489). Advanced modeling of protein sequence and biophysical properties (such as structural, functional, and spatial information, amino acid conservation, physicochemical variation, residue mobility, and thermodynamic stability) performed at Invitae indicates that this missense variant is not expected to disrupt DOCK7 protein function. In summary, the available evidence is currently insufficient to determine the role of this variant in disease. Therefore, it has been classified as a Variant of Uncertain Significance.

Genome-Nilou Lab
Classification: Uncertain significance for Developmental and epileptic encephalopathy, 23. Last evaluated: 2023-04-11. Review status: criteria provided, single submitter. Criteria: ACMG Guidelines, 2015. Collection method: clinical testing. Allele origin: germline. Affected: no.

NM_001367561.1(DOCK7):c.3746T>C (p.Ile1249Thr)

Gene: DOCK7 (dedicator of cytokinesis 7; minus strand). Cytogenetic location: 1p31.3.
Variant type: single nucleotide variant.
Coding change: c.3746T>C on transcript NM_001367561.1 (MANE Select); coding-DNA position 3746, T replaced by C.
Protein change: p.Ile1249Thr; replaces isoleucine 1249 with threonine.
Molecular consequence: missense variant.
Genome position (GRCh38, 1-based): chr1:62,529,312, A>G on the plus strand (T>C on the coding strand, the complement: DOCK7 is on the minus strand). VCF-style: chr1-62529312-A-G. GRCh37 (hg19) VCF-style: chr1-62994983-A-G.
Other names: c.3653T>C (NM_033407.2); c.3746T>C, p.Ile1249Thr (NM_001271999.2, NM_001330614.2); c.3653T>C, p.Ile1218Thr (NM_001272000.2, NM_001272001.2, NM_033407.4); short protein forms I1218T, I1249T.
Identifiers: ClinVar variation 1412489 (VCV001412489.9), dbSNP rs745532701, ClinGen allele CA885905.